The following is an entry in ClinVar:

ClinVar aggregate classification (germline): Pathogenic/Likely pathogenic. Review status: criteria provided, multiple submitters, no conflicts (2 of 4 stars). 2 submissions from 2 submitters: Pathogenic (1); Likely pathogenic (1). Last evaluated 2024-05-24.

Conditions:
Hereditary hemochromatosis (HFE). Identifiers: MedGen C0392514, MONDO:0006507. Disease mechanism: loss of function.
Hemochromatosis type 3 (HFE3). Also called: TFR2-Related Hemochromatosis; HEMOCHROMATOSIS DUE TO DEFECT IN TRANSFERRIN RECEPTOR 2; Hereditary hemochromatosis type 3. Identifiers: Orphanet 225123, MedGen C1858664, MONDO:0011417, OMIM 604250.

Submissions (2):

Fulgent Genetics
Classification: Likely pathogenic for Hemochromatosis type 3. Last evaluated: 2024-05-24. Review status: criteria provided, single submitter. Criteria: ACMG Guidelines, 2015. Collection method: clinical testing. Allele origin: germline.

Labcorp Genetics (formerly Invitae), Labcorp
Classification: Pathogenic for Hereditary hemochromatosis. Last evaluated: 2023-06-20. Review status: criteria provided, single submitter. Criteria: Invitae Variant Classification Sherloc (09022015). Collection method: clinical testing. Allele origin: germline.
Comment: This sequence change creates a premature translational stop signal (p.Pro388Leufs*12) in the TFR2 gene. It is expected to result in an absent or disrupted protein product. Loss-of-function variants in TFR2 are known to be pathogenic (PMID: 23600741, 26029709). This variant is present in population databases (no rsID available, gnomAD 0.007%). This variant has not been reported in the literature in individuals affected with TFR2-related conditions. ClinVar contains an entry for this variant (Variation ID: 850883). For these reasons, this variant has been classified as Pathogenic.

Literature cited by the submitters: PubMed 23600741 (cited by Labcorp Genetics (formerly Invitae), Labcorp); PubMed 26029709 (cited by Labcorp Genetics (formerly Invitae), Labcorp).

NM_003227.4(TFR2):c.1163del (p.Pro388fs)

Gene: TFR2 (transferrin receptor 2; minus strand). Cytogenetic location: 7q22.1.
Variant type: Deletion.
Coding change: c.1163del on transcript NM_003227.4 (MANE Select); coding-DNA position 1163, one base deleted (C; older notation c.1163delC).
Protein change: p.Pro388fs; shifts the reading frame from proline 388.
Molecular consequence: frameshift variant.
Genome position (GRCh38, 1-based): chr7:100,630,996, G deleted on the plus strand (C on the coding strand, the reverse complement: TFR2 is on the minus strand); the first of 4 consecutive G bases (chr7:100,630,996-100,630,999); deleting any one gives the same sequence. VCF-style (leftmost placement, unchanged base first): chr7-100630995-AG-A. GRCh37 (hg19) VCF-style: chr7-100228618-AG-A.
Other names: c.650del, p.Pro217fs (NM_001206855.3); short protein forms P217fs, P388fs.
Identifiers: ClinVar variation 850883 (VCV000850883.8), dbSNP rs1422733588, ClinGen allele CA576714362.